The following is an entry in ClinVar:

ClinVar aggregate classification (germline): Uncertain significance (1 of 4 stars; one submission).

Conditions:
Hereditary spastic paraplegia 43. Also called: Spastic paraplegia 43, autosomal recessive. Identifiers: Orphanet 320370, MedGen C2680446, MONDO:0014024, OMIM 615043.

Submission:

Labcorp Genetics (formerly Invitae), Labcorp
Classification: Uncertain significance for Hereditary spastic paraplegia 43. Last evaluated: 2022-03-16. Review status: criteria provided, single submitter. Criteria: Invitae Variant Classification Sherloc (09022015). Collection method: clinical testing. Allele origin: germline.
Comment: This variant has not been reported in the literature in individuals affected with C19orf12-related conditions. In summary, the available evidence is currently insufficient to determine the role of this variant in disease. Therefore, it has been classified as a Variant of Uncertain Significance. Algorithms developed to predict the effect of missense changes on protein structure and function are either unavailable or do not agree on the potential impact of this missense change (SIFT: "Deleterious"; PolyPhen-2: "Benign"; Align-GVGD: "Class C0"). This variant is not present in population databases (gnomAD no frequency). This sequence change replaces methionine, which is neutral and non-polar, with valine, which is neutral and non-polar, at codon 123 of the C19orf12 protein (p.Met123Val).

NM_031448.6(C19orf12):c.334A>G (p.Met112Val)

Gene: C19orf12 (chromosome 19 open reading frame 12; minus strand). Cytogenetic location: 19q12.
Variant type: single nucleotide variant.
Coding change: c.334A>G on transcript NM_031448.6 (MANE Select); coding-DNA position 334, A replaced by G.
Protein change: p.Met112Val; replaces methionine 112 with valine.
Molecular consequence: missense variant. On other transcripts: intron variant (1).
Genome position (GRCh38, 1-based): chr19:29,702,804, T>C on the plus strand (A>G on the coding strand, the complement: C19orf12 is on the minus strand). VCF-style: chr19-29702804-T-C. GRCh37 (hg19) VCF-style: chr19-30193711-T-C.
Other names: c.334A>G, p.Met112Val (NM_001031726.4, NM_001256047.2); c.142A>G, p.Met48Val (NM_001282929.1, NM_001282930.3, NM_001282931.3); c.291-12A>G (NM_001256046.3); short protein forms M112V, M48V.
Identifiers: ClinVar variation 2048966 (VCV002048966.4), dbSNP rs1972173188, ClinGen allele CA405142684.